The following is an entry in ClinVar:

ClinVar aggregate classification (germline): Uncertain significance (1 of 4 stars; one submission).

Allele frequency attached by ClinVar (database versions not stated): gnomAD exomes below 0.00001.
gnomAD v4.1: 2 of 1,614,042 alleles (0.00012%); highest among the groups gnomAD compares: South Asian, 0.0011%; no homozygotes.

Submission:

Labcorp Genetics (formerly Invitae), Labcorp
Classification: Uncertain significance. Last evaluated: 2021-09-24. Review status: criteria provided, single submitter. Criteria: Invitae Variant Classification Sherloc (09022015). Collection method: clinical testing. Allele origin: germline.
Comment: This sequence change replaces serine with threonine at codon 1691 of the PCDH15 protein (p.Ser1691Thr). The serine residue is weakly conserved and there is a small physicochemical difference between serine and threonine. This variant is not present in population databases (ExAC no frequency). This variant has not been reported in the literature in individuals with PCDH15-related conditions. Algorithms developed to predict the effect of missense changes on protein structure and function output the following: SIFT: "Tolerated"; PolyPhen-2: "Benign"; Align-GVGD: "Class C0". The threonine amino acid residue is found in multiple mammalian species, suggesting that this missense change does not adversely affect protein function. These predictions have not been confirmed by published functional studies and their clinical significance is uncertain. In summary, the available evidence is currently insufficient to determine the role of this variant in disease. Therefore, it has been classified as a Variant of Uncertain Significance.

NM_033056.4(PCDH15):c.5072G>C (p.Ser1691Thr)

Gene: PCDH15 (protocadherin related 15; minus strand). Cytogenetic location: 10q21.1.
Variant type: single nucleotide variant.
Coding change: c.5072G>C on transcript NM_033056.4 (MANE Plus Clinical); coding-DNA position 5072, G replaced by C.
Protein change: p.Ser1691Thr; replaces serine 1691 with threonine.
Molecular consequence: missense variant. On other transcripts: intron variant (8).
Genome position (GRCh38, 1-based): chr10:53,822,654, C>G on the plus strand (G>C on the coding strand, the complement: PCDH15 is on the minus strand). VCF-style: chr10-53822654-C-G. GRCh37 (hg19) VCF-style: chr10-55582414-C-G.
Other names: c.4367+4739G>C (NM_001354420.2); c.4368-4641G>C (NM_001354429.2); c.4368-2424G>C (NM_001384140.1); c.4373+2482G>C (NM_001142772.2, NM_001142770.3); c.4388+2482G>C (NM_001142771.2); c.4388+4739G>C (NM_001354411.2); c.4409+2482G>C (NM_001142769.3); c.5093G>C, p.Ser1698Thr (NM_001142763.2); and 7 more; short protein forms S1669T, S1688T, S1693T, S1622T, S1651T, S1671T, S1698T, S1691T.
Identifiers: ClinVar variation 1434061 (VCV001434061.5), dbSNP rs1048667609, ClinGen allele CA376525934.